The following is an entry in ClinVar:

ClinVar aggregate classification (germline): Uncertain significance (1 of 4 stars; one submission).

Allele frequency attached by ClinVar (database versions not stated): TOPMed below 0.00001; gnomAD 0.00001; gnomAD exomes 0.00001.
gnomAD v4.1: 14 of 1,613,926 alleles (0.00087%); highest among the groups gnomAD compares: African/African-American, 0.004%; no homozygotes.

Submission:

Labcorp Genetics (formerly Invitae), Labcorp
Classification: Uncertain significance. Last evaluated: 2022-10-17. Review status: criteria provided, single submitter. Criteria: Invitae Variant Classification Sherloc (09022015). Collection method: clinical testing. Allele origin: germline.
Comment: This sequence change replaces proline, which is neutral and non-polar, with leucine, which is neutral and non-polar, at codon 557 of the ADAMTS13 protein (p.Pro557Leu). In summary, the available evidence is currently insufficient to determine the role of this variant in disease. Therefore, it has been classified as a Variant of Uncertain Significance. Advanced modeling of protein sequence and biophysical properties (such as structural, functional, and spatial information, amino acid conservation, physicochemical variation, residue mobility, and thermodynamic stability) performed at Invitae indicates that this missense variant is not expected to disrupt ADAMTS13 protein function. This variant has not been reported in the literature in individuals affected with ADAMTS13-related conditions. This variant is present in population databases (no rsID available, gnomAD 0.007%).

NM_139027.6(ADAMTS13):c.1670C>T (p.Pro557Leu)

Gene: ADAMTS13 (ADAM metallopeptidase with thrombospondin type 1 motif 13; plus strand). Cytogenetic location: 9q34.2.
Variant type: single nucleotide variant.
Coding change: c.1670C>T on transcript NM_139027.6 (MANE Select); coding-DNA position 1670, C replaced by T.
Protein change: p.Pro557Leu; replaces proline 557 with leucine.
Molecular consequence: missense variant.
Genome position (GRCh38, 1-based): chr9:133,438,331, C>T. VCF-style: chr9-133438331-C-T. GRCh37 (hg19) VCF-style: chr9-136303451-C-T.
Other names: c.1670C>T, p.Pro557Leu (NM_139025.5); c.1577C>T, p.Pro526Leu (NM_139026.6); short protein forms P526L, P557L.
Identifiers: ClinVar variation 1974139 (VCV001974139.5), dbSNP rs905769016, ClinGen allele CA200930772.